The following is an entry in ClinVar:

ClinVar aggregate classification (germline): Uncertain significance (1 of 4 stars; one submission).

Conditions:
Succinate-semialdehyde dehydrogenase deficiency (SSADHD). Also called: SSADH DEFICIENCY; Succinic Semialdehyde Dehydrogenase Deficiency; 4-HYDROXYBUTYRIC ACIDURIA; GABA METABOLIC DEFECT. Identifiers: Orphanet 22, MedGen C0268631, MONDO:0010083, OMIM 271980.

Submission:

Labcorp Genetics (formerly Invitae), Labcorp
Classification: Uncertain significance for Succinate-semialdehyde dehydrogenase deficiency. Last evaluated: 2025-03-05. Review status: criteria provided, single submitter. Criteria: Invitae Variant Classification Sherloc (09022015). Collection method: clinical testing. Allele origin: germline.
Comment: This sequence change affects an acceptor splice site in intron 9 of the ALDH5A1 gene. While this variant is not anticipated to result in nonsense mediated decay, it likely alters RNA splicing and results in a disrupted protein product. This variant is not present in population databases (gnomAD no frequency). This variant has not been reported in the literature in individuals affected with ALDH5A1-related conditions. Variants that disrupt the consensus splice site are a relatively common cause of aberrant splicing (PMID: 17576681, 9536098). Algorithms developed to predict the effect of sequence changes on RNA splicing suggest that this variant may disrupt the consensus splice site. In summary, the available evidence is currently insufficient to determine the role of this variant in disease. Therefore, it has been classified as a Variant of Uncertain Significance.

Literature cited by the submitters: PubMed 17576681; PubMed 9536098.

NM_001080.3(ALDH5A1):c.1403-2A>G

Gene: ALDH5A1 (aldehyde dehydrogenase 5 family member A1; plus strand). Cytogenetic location: 6p22.3.
Variant type: single nucleotide variant.
Coding change: c.1403-2A>G on transcript NM_001080.3 (MANE Select); the canonical splice acceptor site of the intron before coding-DNA position 1403, A replaced by G.
Molecular consequence: splice acceptor variant.
Genome position (GRCh38, 1-based): chr6:24,533,505, A>G. VCF-style: chr6-24533505-A-G. GRCh37 (hg19) VCF-style: chr6-24533733-A-G.
Other names: c.1442-2A>G (NM_170740.1); c.1259-2A>G (NM_001368954.1).
Identifiers: ClinVar variation 4713258 (VCV004713258.1).